The following is an entry in ClinVar:

NM_001267550.2(TTN):c.2841G>T (p.Ser947=)

Gene: TTN (titin; minus strand). Cytogenetic location: 2q31.2.
Variant type: single nucleotide variant.
Coding change: c.2841G>T on transcript NM_001267550.2 (MANE Select); coding-DNA position 2841, G replaced by T.
Protein change: p.Ser947=; no amino-acid change (serine 947 retained).
Molecular consequence: synonymous variant.
Genome position (GRCh38, 1-based): chr2:178,783,720, C>A on the plus strand (G>T on the coding strand, the complement: TTN is on the minus strand). VCF-style: chr2-178783720-C-A. GRCh37 (hg19) VCF-style: chr2-179648447-C-A.
Other names: p.Ser947=; c.2841G>T, p.Ser947= (NM_001256850.1, NM_133378.4, NM_133379.5); c.2703G>T, p.Ser901= (NM_003319.4, NM_133432.3, NM_133437.4); c.2841G>T (LRG_391t1).
Identifiers: ClinVar variation 223342 (VCV000223342.15), dbSNP rs774074192, ClinGen allele CA089896.

ClinVar aggregate classification (germline): Uncertain significance. Review status: criteria provided, multiple submitters, no conflicts (2 of 4 stars). 5 submissions from 5 submitters: Uncertain significance (5). Last evaluated 2025-08-28.

Conditions:
Cardiovascular phenotype. Identifiers: MedGen CN230736.
Dilated cardiomyopathy 1G (CMD1G). Identifiers: Orphanet 154, MedGen C1858763, MONDO:0011400, OMIM 604145.
Autosomal recessive limb-girdle muscular dystrophy type 2J (LGMDR10). Also called: Limb-girdle muscular dystrophy, type 2J; MUSCULAR DYSTROPHY, LIMB-GIRDLE, AUTOSOMAL RECESSIVE 10. Identifiers: Orphanet 140922, MedGen C1837342, MONDO:0012127, OMIM 608807.
Primary dilated cardiomyopathy (DCM). Also called: Dilated Cardiomyopathy. Identifiers: Orphanet 217604, MedGen C0007193, MeSH D002311, MONDO:0005021, HP:0001644. Inheritance: Various modes of inheritance.

Allele frequency attached by ClinVar (database versions not stated): TOPMed 0.00004.
gnomAD v4.1: 4 of 1,612,688 alleles (0.00025%); highest among the groups gnomAD compares: African/African-American, 0.004%; no homozygotes.

Submissions (5):

Mayo Clinic Laboratories, Mayo Clinic
Classification: Uncertain significance. Last evaluated: 2025-08-28. Review status: criteria provided, single submitter. Criteria: ACMG Guidelines, 2015. Collection method: clinical testing. Allele origin: germline. Observed: 1 variant allele.
Comment: BP4

Labcorp Genetics (formerly Invitae), Labcorp
Classification: Uncertain significance for Dilated cardiomyopathy 1G; Autosomal recessive limb-girdle muscular dystrophy type 2J. Last evaluated: 2025-02-23. Review status: criteria provided, single submitter. Criteria: Invitae Variant Classification Sherloc (09022015). Collection method: clinical testing. Allele origin: germline.
Comment: This sequence change affects codon 947 of the TTN mRNA. It is a 'silent' change, meaning that it does not change the encoded amino acid sequence of the TTN protein. This variant also falls at the last nucleotide of exon 17, which is part of the consensus splice site for this exon. This variant is not present in population databases (gnomAD no frequency). This variant has been observed in individual(s) with cardiac disease (PMID: 25589632). ClinVar contains an entry for this variant (Variation ID: 223342). Variants that disrupt the consensus splice site are a relatively common cause of aberrant splicing (PMID: 17576681, 9536098). Algorithms developed to predict the effect of sequence changes on RNA splicing suggest that this variant may disrupt the consensus splice site. This variant is located in the Z band of TTN (PMID: 25589632). Non-truncating variants in this region may be clinically relevant, but have not been definitively shown to cause cardiomyopathy or neuromuscular disease (PMID: 27493940, 32778822). In summary, the available evidence is currently insufficient to determine the role of this variant in disease. Therefore, it has been classified as a Variant of Uncertain Significance.

Ambry Genetics
Classification: Uncertain significance for Cardiovascular phenotype. Last evaluated: 2022-03-14. Review status: criteria provided, single submitter. Criteria: Ambry Variant Classification Scheme 2023. Collection method: clinical testing. Allele origin: germline.
Comment: The c.2703G>T variant (also known as p.S901S) is located in coding exon 15 of the TTN gene. This variant results from a G to T substitution at nucleotide position 2703. This nucleotide substitution does not change the serine at codon 901. However, this change occurs in the last base pair of coding exon 15, which makes it likely to have some effect on normal mRNA splicing. This variant (referred to as c.2841G>T) has been detected an an individual from a population-based cohort; however, details were limited (Roberts AM et al. Sci Transl Med, 2015 Jan;7:270ra6). This nucleotide position is not well conserved in available vertebrate species. In silico splice site analysis for this alteration is inconclusive. Since supporting evidence is limited at this time, the clinical significance of this alteration remains unclear.

Eurofins Ntd Llc (ga)
Classification: Uncertain significance. Last evaluated: 2017-11-01. Review status: criteria provided, single submitter. Criteria: EGL Classification Definitions 2015. Collection method: clinical testing. Allele origin: germline. Observed: 1 variant allele, 1 heterozygote.

Cardiovascular Biomedical Research Unit, Royal Brompton & Harefield NHS Foundation Trust
Classification: Uncertain significance for Primary dilated cardiomyopathy. Last evaluated: 2014-10-08. Review status: criteria provided, single submitter. Criteria: Roberts et al. 2015. Collection method: research. Allele origin: germline. Inheritance: Autosomal dominant inheritance. Affected: no. Observed: 1 variant allele. Study: JHS cohort.
Comment: In the seven cohorts assessed, TTNtv were found in 14% of ambulant DCM, 22% end-stage or familial DCM, and 2% controls. Heterozygous nonsense, frameshift and canonical splice-disrupting variants found in constitutive and other highly utilised exons are highly likely to be pathogenic when identified in individuals with phenotypically confirmed DCM. TTNtv found incidentally in healthy individuals (excluding familial assessment of DCM relatives) are thought to have low penetrance, particularly when identified in exons that are not constitutively expressed in the heart.

Literature cited by the submitters: PubMed 25589632 (cited by 3 submitters); PubMed 38438525 (cited by Mayo Clinic Laboratories, Mayo Clinic); PubMed 17576681 (cited by Labcorp Genetics (formerly Invitae), Labcorp); PubMed 9536098 (cited by Labcorp Genetics (formerly Invitae), Labcorp); PubMed 27493940 (cited by Labcorp Genetics (formerly Invitae), Labcorp); PubMed 32778822 (cited by Labcorp Genetics (formerly Invitae), Labcorp).